The following is an entry in ClinVar:

ClinVar aggregate classification (germline): Pathogenic (1 of 4 stars; one submission).

Conditions:
Bethlem myopathy 1A. Also called: MYOPATHY, BENIGN CONGENITAL, WITH CONTRACTURES; Bethlem myopathy 1; Bethlem Muscular Dystrophy. Identifiers: Orphanet 610, MedGen CN029274, MONDO:0024530, OMIM 158810.

Submission:

Labcorp Genetics (formerly Invitae), Labcorp
Classification: Pathogenic for Bethlem myopathy 1A. Last evaluated: 2025-02-06. Review status: criteria provided, single submitter. Criteria: Invitae Variant Classification Sherloc (09022015). Collection method: clinical testing. Allele origin: germline.
Comment: This sequence change affects an acceptor splice site in intron 6 of the COL6A2 gene. It is expected to disrupt RNA splicing. Variants that disrupt the donor or acceptor splice site typically lead to a loss of protein function (PMID: 16199547), and loss-of-function variants in COL6A2 are known to be disease-causing for autosomal recessive COL6A2-related conditions (PMID: 21280092, 20976770). However, certain variants affecting donor or acceptor splice sites in the triple helical domain of COL6A2 are expected to result in in-frame exon skipping and have been reported to cause autosomal dominant COL6A2-related conditions (PMID: 18366090). This variant is not present in population databases (gnomAD no frequency). Disruption of this splice site has been observed in individuals with autosomal dominant type VI collagenopathy (PMID: 17785673, 27363342, 28688748, 28831785). ClinVar contains an entry for this variant (Variation ID: 850685). Algorithms developed to predict the effect of sequence changes on RNA splicing suggest that this variant may disrupt the consensus splice site. For these reasons, this variant has been classified as Pathogenic.

Literature cited by the submitters: PubMed 16199547; PubMed 21280092; PubMed 20976770; PubMed 18366090; PubMed 17785673; PubMed 27363342; PubMed 28688748; PubMed 28831785.

NM_001849.4(COL6A2):c.856-2A>G

Gene: COL6A2 (collagen type VI alpha 2 chain; plus strand). Cytogenetic location: 21q22.3.
Variant type: single nucleotide variant.
Coding change: c.856-2A>G on transcript NM_001849.4 (MANE Select); the canonical splice acceptor site of the intron before coding-DNA position 856, A replaced by G.
Molecular consequence: splice acceptor variant.
Genome position (GRCh38, 1-based): chr21:46,116,007, A>G. VCF-style: chr21-46116007-A-G. GRCh37 (hg19) VCF-style: chr21-47535921-A-G.
Other names: c.856-2A>G (NM_058175.3, NM_058174.3).
Identifiers: ClinVar variation 850685 (VCV000850685.8), dbSNP rs886044466, ClinGen allele CA410525046.